The following is an entry in ClinVar:

ClinVar aggregate classification (germline): Uncertain significance. Review status: criteria provided, multiple submitters, no conflicts (2 of 4 stars). 4 submissions from 4 submitters: Uncertain significance (4). Last evaluated 2025-09-16.

Conditions:
Hereditary cancer-predisposing syndrome. Also called: Neoplastic Syndromes, Hereditary; Tumor predisposition; Hereditary Cancer Syndrome; Hereditary neoplastic syndrome. Identifiers: Orphanet 140162, MedGen C0027672, MeSH D009386, MONDO:0015356.
Facial dysmorphism-immunodeficiency-livedo-short stature syndrome. Also called: Facial dysmorphism, immunodeficiency, livedo, and short stature; FILS syndrome. Identifiers: Orphanet 352712, MedGen C3554576, MONDO:0014058, OMIM 615139.
Intrauterine growth retardation, metaphyseal dysplasia, adrenal hypoplasia congenita, genital anomalies, and immunodeficiency. Also called: IMAGEI SYNDROME. Identifiers: MedGen C5193036, MONDO:0032684, OMIM 618336.
Colorectal cancer, susceptibility to, 12 (CRCS12). Also called: COLORECTAL CANCER, SUSCEPTIBILITY TO, ON CHROMOSOME 12q24. Identifiers: Orphanet 220460, MedGen C3554460, MONDO:0014038, OMIM 615083.

Allele frequency attached by ClinVar (database versions not stated): gnomAD exomes below 0.00001 and 0.00001; TOPMed 0.00001.
gnomAD v4.1: 8 of 1,613,494 alleles (0.0005%); highest among the groups gnomAD compares: Non-Finnish European, 0.00025%; no homozygotes.

Submissions (4):

Labcorp Genetics (formerly Invitae), Labcorp
Classification: Uncertain significance. Last evaluated: 2025-09-16. Review status: criteria provided, single submitter. Criteria: Invitae Variant Classification Sherloc (09022015). Collection method: clinical testing. Allele origin: germline.
Comment: This sequence change replaces glycine, which is neutral and non-polar, with arginine, which is basic and polar, at codon 91 of the POLE protein (p.Gly91Arg). This variant is present in population databases (no rsID available, gnomAD 0.03%). This variant has not been reported in the literature in individuals affected with POLE-related conditions. ClinVar contains an entry for this variant (Variation ID: 473551). Invitae Evidence Modeling of protein sequence and biophysical properties (such as structural, functional, and spatial information, amino acid conservation, physicochemical variation, residue mobility, and thermodynamic stability) has been performed for this missense variant. However, the output from this modeling did not meet the statistical confidence thresholds required to predict the impact of this variant on POLE protein function. In summary, the available evidence is currently insufficient to determine the role of this variant in disease. Therefore, it has been classified as a Variant of Uncertain Significance.

GeneDx
Classification: Uncertain significance. Last evaluated: 2024-06-26. Review status: criteria provided, single submitter. Criteria: GeneDx Variant Classification Process June 2021. Collection method: clinical testing. Allele origin: germline. Affected: yes.
Comment: Not observed at significant frequency in large population cohorts (gnomAD); In silico analysis supports that this missense variant has a deleterious effect on protein structure/function; Has not been previously published as pathogenic or benign to our knowledge

Fulgent Genetics
Classification: Uncertain significance for Colorectal cancer, susceptibility to, 12; Facial dysmorphism-immunodeficiency-livedo-short stature syndrome; Intrauterine growth retardation, metaphyseal dysplasia, adrenal hypoplasia congenita, genital anomalies, and immunodeficiency. Last evaluated: 2024-02-07. Review status: criteria provided, single submitter. Criteria: ACMG Guidelines, 2015. Collection method: clinical testing. Allele origin: germline.

Ambry Genetics
Classification: Uncertain significance for Hereditary cancer-predisposing syndrome. Last evaluated: 2023-10-21. Review status: criteria provided, single submitter. Criteria: Ambry Variant Classification Scheme 2023. Collection method: clinical testing. Allele origin: germline.
Comment: The p.G91R variant (also known as c.271G>A), located in coding exon 3 of the POLE gene, results from a G to A substitution at nucleotide position 271. The glycine at codon 91 is replaced by arginine, an amino acid with dissimilar properties. This amino acid position is conserved. In addition, the in silico prediction for this alteration is inconclusive. Since supporting evidence is limited at this time, the clinical significance of this alteration remains unclear.

NM_006231.4(POLE):c.271G>A (p.Gly91Arg)

Gene: POLE (DNA polymerase epsilon, catalytic subunit; minus strand). Cytogenetic location: 12q24.33.
Variant type: single nucleotide variant.
Coding change: c.271G>A on transcript NM_006231.4 (MANE Select); coding-DNA position 271, G replaced by A.
Protein change: p.Gly91Arg; replaces glycine 91 with arginine.
Molecular consequence: missense variant.
Genome position (GRCh38, 1-based): chr12:132,680,621, C>T on the plus strand (G>A on the coding strand, the complement: POLE is on the minus strand). VCF-style: chr12-132680621-C-T. GRCh37 (hg19) VCF-style: chr12-133257207-C-T.
Other names: short protein forms G91R.
Identifiers: ClinVar variation 473551 (VCV000473551.15), dbSNP rs1316316435, ClinGen allele CA387369083.